The following is an entry in ClinVar:

NM_006227.4(PLTP):c.1180C>T (p.Arg394Ter)

Gene: PLTP (phospholipid transfer protein; minus strand). Cytogenetic location: 20q13.12.
Variant type: single nucleotide variant.
Coding change: c.1180C>T on transcript NM_006227.4 (MANE Select); coding-DNA position 1180, C replaced by T.
Protein change: p.Arg394Ter; replaces arginine 394 with a stop codon.
Molecular consequence: nonsense.
Genome position (GRCh38, 1-based): chr20:45,899,874, G>A on the plus strand (C>T on the coding strand, the complement: PLTP is on the minus strand). VCF-style: chr20-45899874-G-A. GRCh37 (hg19) VCF-style: chr20-44528513-G-A.
Other names: c.895C>T, p.Arg299Ter (NM_001242920.2); c.916C>T, p.Arg306Ter (NM_001242921.1); c.1024C>T, p.Arg342Ter (NM_182676.3); short protein forms R306*, R299*, R342*, R394*.
Identifiers: ClinVar variation 4703289 (VCV004703289.1).

ClinVar aggregate classification (germline): Uncertain significance (1 of 4 stars; one submission).

gnomAD v4.1: 8 of 1,401,526 alleles (0.00057%); highest among the groups gnomAD compares: Admixed American, 0.0049%; no homozygotes.

Submission:

Labcorp Genetics (formerly Invitae), Labcorp
Classification: Uncertain significance. Last evaluated: 2025-11-10. Review status: criteria provided, single submitter. Criteria: Invitae Variant Classification Sherloc (09022015). Collection method: clinical testing. Allele origin: germline.
Comment: This sequence change creates a premature translational stop signal (p.Arg394*) in the PLTP gene. It is expected to result in an absent or disrupted protein product. However, the current clinical and genetic evidence is not sufficient to establish whether loss-of-function variants in PLTP cause disease. The frequency data for this variant in the population databases is considered unreliable, as metrics indicate poor data quality at this position in the gnomAD database. This variant has not been reported in the literature in individuals affected with PLTP-related conditions. In summary, the available evidence is currently insufficient to determine the role of this variant in disease. Therefore, it has been classified as a Variant of Uncertain Significance.